The following is an entry in ClinVar:

NM_033159.4(HYAL1):c.448C>T (p.Arg150Cys)

Gene: HYAL1 (hyaluronidase 1; minus strand). Cytogenetic location: 3p21.31.
Variant type: single nucleotide variant.
Coding change: c.448C>T on transcript NM_033159.4 (MANE Select); coding-DNA position 448, C replaced by T.
Protein change: p.Arg150Cys; replaces arginine 150 with cysteine.
Molecular consequence: missense variant. On other transcripts: 5 prime UTR variant (1), non-coding transcript variant (1), intron variant (1).
Genome position (GRCh38, 1-based): chr3:50,302,509, G>A on the plus strand (C>T on the coding strand, the complement: HYAL1 is on the minus strand). VCF-style: chr3-50302509-G-A. GRCh37 (hg19) VCF-style: chr3-50339940-G-A.
Other names: c.448C>T, p.Arg150Cys (NM_007312.3, NM_153281.2, NM_153282.3); c.-99C>T (NM_153283.3); c.-26-304C>T (NM_153285.3); short protein forms R150C.
Identifiers: ClinVar variation 1962076 (VCV001962076.3), dbSNP rs781875133, ClinGen allele CA2415946.

ClinVar aggregate classification (germline): Uncertain significance (1 of 4 stars; one submission).

Conditions:
Deficiency of hyaluronoglucosaminidase (MPS9). Also called: Mucopolysaccharidosis type 9; MPS IX; HYALURONIDASE DEFICIENCY. Identifiers: Orphanet 67041, MedGen C1291490, MONDO:0011093, OMIM 601492.

Allele frequency attached by ClinVar (database versions not stated): gnomAD exomes below 0.00001; gnomAD 0.00001; ExAC 0.00002; TOPMed 0.00005.

Submission:

Labcorp Genetics (formerly Invitae), Labcorp
Classification: Uncertain significance for Deficiency of hyaluronoglucosaminidase. Last evaluated: 2025-12-17. Review status: criteria provided, single submitter. Criteria: Invitae Variant Classification Sherloc (09022015). Collection method: clinical testing. Allele origin: germline.
Comment: This sequence change replaces arginine, which is basic and polar, with cysteine, which is neutral and slightly polar, at codon 150 of the HYAL1 protein (p.Arg150Cys). This variant is present in population databases (rs781875133, gnomAD 0.01%). This variant has not been reported in the literature in individuals affected with HYAL1-related conditions. ClinVar contains an entry for this variant (Variation ID: 1962076). An algorithm developed to predict the effect of missense changes on protein structure and function (PolyPhen-2) suggests that this variant is likely to be disruptive. In summary, the available evidence is currently insufficient to determine the role of this variant in disease. Therefore, it has been classified as a Variant of Uncertain Significance.